The following is an entry in ClinVar:

ClinVar aggregate classification (germline): Likely benign. Review status: criteria provided, multiple submitters, no conflicts (2 of 4 stars). 3 submissions from 3 submitters: Likely benign (3). Last evaluated 2026-01-08.

Conditions:
Cardiovascular phenotype. Identifiers: MedGen CN230736.
Dilated cardiomyopathy 1Z (CMD1Z). Identifiers: Orphanet 154, MedGen C2678475, MONDO:0012745, OMIM 611879.
Hypertrophic cardiomyopathy 13. Also called: TNNC1-Related Familial Hypertrophic Cardiomyopathy. Identifiers: MedGen C2750472, MONDO:0013195, OMIM 613243.

Allele frequency attached by ClinVar (database versions not stated): gnomAD 0.00001; TOPMed 0.00005.
gnomAD v4.1: 27 of 1,613,978 alleles (0.0017%); highest among the groups gnomAD compares: Admixed American, 0.03%; no homozygotes.

Submissions (3):

Labcorp Genetics (formerly Invitae), Labcorp
Classification: Likely benign for Hypertrophic cardiomyopathy 13; Dilated cardiomyopathy 1Z. Last evaluated: 2026-01-08. Review status: criteria provided, single submitter. Criteria: Invitae Variant Classification Sherloc (09022015). Collection method: clinical testing. Allele origin: germline.

Mayo Clinic Laboratories, Mayo Clinic
Classification: Likely benign. Last evaluated: 2025-11-14. Review status: criteria provided, single submitter. Criteria: ACMG Guidelines, 2015. Collection method: clinical testing. Allele origin: germline. Observed: 1 variant allele.
Comment: BP4, BP7

Ambry Genetics
Classification: Likely benign for Cardiovascular phenotype. Last evaluated: 2023-11-10. Review status: criteria provided, single submitter. Criteria: Ambry Variant Classification Scheme 2023. Collection method: clinical testing. Allele origin: germline.

NM_003280.3(TNNC1):c.336C>T (p.Ile112=)

Gene: TNNC1 (troponin C1, slow skeletal and cardiac type; minus strand). Cytogenetic location: 3p21.1.
Variant type: single nucleotide variant.
Coding change: c.336C>T on transcript NM_003280.3 (MANE Select); coding-DNA position 336, C replaced by T.
Protein change: p.Ile112=; no amino-acid change (isoleucine 112 retained).
Molecular consequence: synonymous variant.
Genome position (GRCh38, 1-based): chr3:52,451,509, G>A on the plus strand (C>T on the coding strand, the complement: TNNC1 is on the minus strand). VCF-style: chr3-52451509-G-A. GRCh37 (hg19) VCF-style: chr3-52485525-G-A.
Other names: p.Ile112=; c.336C>T (LRG_378t1).
Identifiers: ClinVar variation 220797 (VCV000220797.12), dbSNP rs763584637, ClinGen allele CA349311.